The following is an entry in ClinVar:

NM_000448.3(RAG1):c.2387C>T (p.Ala796Val)

Gene: RAG1 (recombination activating 1; plus strand). Cytogenetic location: 11p12.
Variant type: single nucleotide variant.
Coding change: c.2387C>T on transcript NM_000448.3 (MANE Select); coding-DNA position 2387, C replaced by T.
Protein change: p.Ala796Val; replaces alanine 796 with valine.
Molecular consequence: missense variant.
Genome position (GRCh38, 1-based): chr11:36,575,691, C>T. VCF-style: chr11-36575691-C-T. GRCh37 (hg19) VCF-style: chr11-36597241-C-T.
Other names: c.2387C>T, p.Ala796Val (NM_001377277.1, NM_001377278.1, NM_001377279.1 and 3 more transcripts); short protein forms A796V.
Identifiers: ClinVar variation 5019816 (VCV005019816.2).
Genomic context (GRCh38, chr11:36,575,691, plus strand): 5'-GGGATCGGGTGAAAGGGGTCTCAGCTAAACCTTTCATTGAGACAGTCCCTTCCATAGATG[C>T]ACTCCACTGTGACATTGGCAATGCAGCTGAGTTCTACAAGATCTTCCAGCTAGAGATAGG-3'
Protein context (NP_000439.2, residues 786-806): PFIETVPSID[Ala796Val]LHCDIGNAAE

ClinVar aggregate classification (germline): Likely pathogenic (1 of 4 stars; one submission).

Conditions:
Combined immunodeficiency due to partial RAG1 deficiency. Identifiers: Orphanet 231154, MedGen C1835931, MONDO:0012359, OMIM 609889.
Combined immunodeficiency with skin granulomas. Identifiers: Orphanet 157949, MedGen C2673536, MONDO:0009306, OMIM 233650.
Histiocytic medullary reticulosis. Also called: SEVERE COMBINED IMMUNODEFICIENCY WITH HYPEREOSINOPHILIA; Omenn syndrome. Identifiers: Orphanet 39041, MedGen C2700553, MONDO:0011338, OMIM 603554.
Severe combined immunodeficiency, autosomal recessive, T cell-negative, B cell-negative, NK cell-positive. Also called: Severe combined immunodeficiency due to complete RAG1/2 deficiency; SCID, T CELL-NEGATIVE, B CELL-NEGATIVE, NK CELL-POSITIVE; SCID, AR, T-cell negative, B-cell negative, NK cell-positive. Identifiers: Orphanet 331206, MedGen C1832322, MONDO:0011086, OMIM 601457.

Submission:

Juno Genomics, Hangzhou Juno Genomics, Inc
Classification: Likely pathogenic for Combined immunodeficiency due to partial RAG1 deficiency; Combined immunodeficiency with skin granulomas; Histiocytic medullary reticulosis; Severe combined immunodeficiency, autosomal recessive, T cell-negative, B cell-negative, NK cell-positive. Review status: criteria provided, single submitter. Criteria: ACMG Guidelines, 2015. Collection method: clinical testing. Allele origin: germline.
Comment: Absent from controls (or at extremely low frequency if recessive) in Genome Aggregation Database.;Multiple lines of computational evidence support a deleterious effect on the gene or gene product.;For recessive disorders, detected in trans with a pathogenic variant.;Patient's phenotype or family history is highly specific for a disease with a single genetic etiology.